The following is an entry in ClinVar:

NM_201596.3(CACNB2):c.-42C>A

Gene: CACNB2 (calcium voltage-gated channel auxiliary subunit beta 2; plus strand). Cytogenetic location: 10p12.33.
Variant type: single nucleotide variant.
Coding change: c.-42C>A on transcript NM_201596.3 (MANE Select); 42 bases upstream of the start codon, C replaced by A.
Molecular consequence: 5 prime UTR variant.
Genome position (GRCh38, 1-based): chr10:18,140,695, C>A. VCF-style: chr10-18140695-C-A. GRCh37 (hg19) VCF-style: chr10-18429624-C-A.
Other names: c.-485C>A (NM_001167945.2, NM_201571.4, NM_201572.4); c.-42C>A (NM_201593.3, NM_201597.3).
Identifiers: ClinVar variation 190719 (VCV000190719.4), dbSNP rs138094231, ClinGen allele CA301831.

ClinVar aggregate classification (germline): Benign. Review status: criteria provided, multiple submitters, no conflicts (2 of 4 stars). 2 submissions from 2 submitters: Benign (2). Last evaluated 2013-06-25.

Allele frequency attached by ClinVar (database versions not stated): 1000 Genomes Project 0.03015; 1000 Genomes Project 30x 0.03186; ESP Exome Variant Server 0.03697; TOPMed 0.04035.
gnomAD v4.1: 55,613 of 1,559,106 alleles (3.6%); highest among the groups gnomAD compares: African/African-American, 6.1%; 1,150 homozygotes.

Submissions (2):

GeneDx
Classification: Benign. Last evaluated: 2013-06-25. Review status: criteria provided, single submitter. Criteria: GeneDx Variant Classification (06012015). Collection method: clinical testing. Allele origin: germline. Affected: yes.
Comment: This variant is considered likely benign or benign based on one or more of the following criteria: it is a conservative change, it occurs at a poorly conserved position in the protein, it is predicted to be benign by multiple in silico algorithms, and/or has population frequency not consistent with disease.

Breakthrough Genomics
Classification: Benign. Review status: criteria provided, single submitter. Criteria: ACMG Guidelines, 2015. Collection method: not provided. Allele origin: germline. Inheritance: Autosomal dominant inheritance. Affected: yes.